The following is an entry in ClinVar:

NM_001673.5(ASNS):c.256C>G (p.Gln86Glu)

Genes: ASNS (asparagine synthetase (glutamine-hydrolyzing); minus strand), CZ1P-ASNS (CZ1P-ASNS readthrough; minus strand). Cytogenetic location: 7q21.3.
Variant type: single nucleotide variant.
Coding change: c.256C>G on transcript NM_001673.5 (MANE Select); coding-DNA position 256, C replaced by G.
Protein change: p.Gln86Glu; replaces glutamine 86 with glutamic acid.
Molecular consequence: missense variant. On other transcripts: non-coding transcript variant (1).
Genome position (GRCh38, 1-based): chr7:97,864,490, G>C on the plus strand (C>G on the coding strand, the complement: ASNS is on the minus strand). VCF-style: chr7-97864490-G-C. GRCh37 (hg19) VCF-style: chr7-97493802-G-C.
Other names: c.193C>G, p.Gln65Glu (NM_001178075.2); c.7C>G, p.Gln3Glu (NM_001178076.2, NM_001178077.1); c.256C>G, p.Gln86Glu (NM_001352496.2, NM_133436.3, NM_183356.4); short protein forms Q65E, Q3E, Q86E.
Identifiers: ClinVar variation 2003067 (VCV002003067.4), dbSNP rs1791872386, ClinGen allele CA368272620.

ClinVar aggregate classification (germline): Uncertain significance (1 of 4 stars; one submission).

gnomAD v4.1: 1 of 1,613,008 alleles (0.000062%); highest among the groups gnomAD compares: Non-Finnish European, 0.000085%; no homozygotes.

Submission:

Labcorp Genetics (formerly Invitae), Labcorp
Classification: Uncertain significance. Last evaluated: 2022-06-19. Review status: criteria provided, single submitter. Criteria: Invitae Variant Classification Sherloc (09022015). Collection method: clinical testing. Allele origin: germline.
Comment: In summary, the available evidence is currently insufficient to determine the role of this variant in disease. Therefore, it has been classified as a Variant of Uncertain Significance. Advanced modeling of protein sequence and biophysical properties (such as structural, functional, and spatial information, amino acid conservation, physicochemical variation, residue mobility, and thermodynamic stability) performed at Invitae indicates that this missense variant is not expected to disrupt ASNS protein function. This variant has not been reported in the literature in individuals affected with ASNS-related conditions. This variant is not present in population databases (gnomAD no frequency). This sequence change replaces glutamine, which is neutral and polar, with glutamic acid, which is acidic and polar, at codon 86 of the ASNS protein (p.Gln86Glu).